The following is an entry in ClinVar:

ClinVar aggregate classification (germline): Conflicting classifications of pathogenicity. Review status: criteria provided, conflicting classifications (1 of 4 stars). 3 submissions from 3 submitters: Uncertain significance (2); Likely benign (1). Last evaluated 2024-07-25.

Conditions:
Inborn genetic diseases. Identifiers: MedGen C0950123, MeSH D030342.
BNAR syndrome. Also called: Bifid Nose With or Without Anorectal and Renal Anomalies (BNAR) Syndrome. Identifiers: Orphanet 217266, MedGen C2750433, MONDO:0012165, OMIM 608980.
Oculotrichoanal syndrome (MOTA). Also called: MARLES SYNDROME; Manitoba Oculotrichoanal (MOTA) Syndrome. Identifiers: Orphanet 2717, MedGen C1855425, MONDO:0009560, OMIM 248450.
Trigonocephaly 2 (TRIGNO2). Identifiers: Orphanet 3366, MedGen C3280974, MONDO:0013774, OMIM 614485.

Allele frequency attached by ClinVar (database versions not stated): gnomAD 0.00008; gnomAD exomes 0.00006; TOPMed 0.00005.
gnomAD v4.1: 100 of 1,539,190 alleles (0.0065%); highest among the groups gnomAD compares: Non-Finnish European, 0.0076%; no homozygotes.

Submissions (3):

Ambry Genetics
Classification: Likely benign for Inborn genetic diseases. Last evaluated: 2024-07-25. Review status: criteria provided, single submitter. Criteria: Ambry Variant Classification Scheme 2023. Collection method: clinical testing. Allele origin: germline.

Fulgent Genetics
Classification: Uncertain significance for Oculotrichoanal syndrome; BNAR syndrome; Trigonocephaly 2. Last evaluated: 2024-04-10. Review status: criteria provided, single submitter. Criteria: ACMG Guidelines, 2015. Collection method: clinical testing. Allele origin: germline.

Labcorp Genetics (formerly Invitae), Labcorp
Classification: Uncertain significance. Last evaluated: 2022-08-09. Review status: criteria provided, single submitter. Criteria: Invitae Variant Classification Sherloc (09022015). Collection method: clinical testing. Allele origin: germline.
Comment: In summary, the available evidence is currently insufficient to determine the role of this variant in disease. Therefore, it has been classified as a Variant of Uncertain Significance. Algorithms developed to predict the effect of missense changes on protein structure and function output the following: SIFT: "Tolerated"; PolyPhen-2: "Benign"; Align-GVGD: "Class C0". The histidine amino acid residue is found in multiple mammalian species, which suggests that this missense change does not adversely affect protein function. This variant has not been reported in the literature in individuals affected with FREM1-related conditions. The frequency data for this variant in the population databases is considered unreliable, as metrics indicate poor data quality at this position in the gnomAD database. This sequence change replaces arginine, which is basic and polar, with histidine, which is basic and polar, at codon 1934 of the FREM1 protein (p.Arg1934His).

NM_001379081.2(FREM1):c.5801G>A (p.Arg1934His)

Gene: FREM1 (FRAS1 related extracellular matrix 1; minus strand). Cytogenetic location: 9p22.3.
Variant type: single nucleotide variant.
Coding change: c.5801G>A on transcript NM_001379081.2 (MANE Select); coding-DNA position 5801, G replaced by A.
Protein change: p.Arg1934His; replaces arginine 1934 with histidine.
Molecular consequence: missense variant. On other transcripts: non-coding transcript variant (3).
Genome position (GRCh38, 1-based): chr9:14,747,724, C>T on the plus strand (G>A on the coding strand, the complement: FREM1 is on the minus strand). VCF-style: chr9-14747724-C-T. GRCh37 (hg19) VCF-style: chr9-14747722-C-T.
Other names: c.5801G>A (NM_144966.5); c.1409G>A, p.Arg470His (NM_001177704.3, NM_001370061.2); c.1259G>A, p.Arg420His (NM_001370058.2); c.5801G>A, p.Arg1934His (NM_144966.7); short protein forms R1934H, R420H, R470H.
Identifiers: ClinVar variation 1897497 (VCV001897497.7), dbSNP rs778288375, ClinGen allele CA4989642.